The following is an entry in ClinVar:

Conditions:
Breast-ovarian cancer, familial, susceptibility to, 1 (BROVCA1). Also called: BRCA1 Hereditary Breast and Ovarian Cancer; OVARIAN CANCER, SUSCEPTIBILITY TO. Identifiers: Orphanet 145, MedGen C2676676, MONDO:0011450, OMIM 604370. Disease mechanism: loss of function.

Submission:

Brotman Baty Institute, University of Washington
No classification provided (evidence only). Condition: Breast-ovarian cancer, familial 1. Review status: no classification provided. Collection method: in vitro. Allele origin: not applicable. Functional consequence: functionally_normal.
ClinVar note: "not provided" was previously submitted as the classification for the variant. However, the classification appeared to be based only on an observation of functional data so it was converted to no classification on 2025-07-30.

NM_007294.4(BRCA1):c.5467+22G>A

Gene: BRCA1 (BRCA1 DNA repair associated; minus strand). Cytogenetic location: 17q21.31.
Variant type: single nucleotide variant.
Coding change: c.5467+22G>A on transcript NM_007294.4 (MANE Select); 22 bases into the intron after coding-DNA position 5467, G replaced by A.
Molecular consequence: intron variant.
Genome position (GRCh38, 1-based): chr17:43,047,621, C>T on the plus strand (G>A on the coding strand, the complement: BRCA1 is on the minus strand). VCF-style: chr17-43047621-C-T. GRCh37 (hg19) VCF-style: chr17-41199638-C-T.
Other names: c.5389+22G>A (NM_001407655.1, NM_001407654.1, NM_001407652.1 and 1 more transcripts); c.5128+22G>A (NM_001407956.1, NM_001407957.1, NM_001407958.1); c.5254+22G>A (NM_001407897.1, NM_001407908.1, NM_001407898.1 and 12 more transcripts); c.5134+22G>A (NM_001407947.1, NM_001407949.1, NM_001407946.1 and 1 more transcripts); c.1231+22G>A (NM_001408514.1); c.1945+22G>A (NM_001408485.1, NM_001408483.1, NM_001408491.1 and 5 more transcripts); c.5257+22G>A (NM_001407882.1, NM_001407885.1, NM_001407886.1 and 5 more transcripts); c.2029+22G>A (NM_001408447.1, NM_001408446.1, NM_001408448.1 and 2 more transcripts); and 83 more.
Identifiers: ClinVar variation 868946 (VCV000868946.3), dbSNP rs779046757, ClinGen allele CA916080729.